The following is an entry in ClinVar:

NC_000009.11:g.(?_214977)_(304724_?)dup

Genes: DOCK8-AS1 (DOCK8 antisense RNA 1; minus strand), DOCK8 (dedicator of cytokinesis 8; plus strand). Cytogenetic location: 9p24.3.
Variant type: Duplication.
Identifiers: ClinVar variation 1413016 (VCV001413016.8).

ClinVar aggregate classification (germline): Uncertain significance (1 of 4 stars; one submission).

Conditions:
Combined immunodeficiency due to DOCK8 deficiency (HIES2). Also called: HYPER-IgE RECURRENT INFECTION SYNDROME 2, AUTOSOMAL RECESSIVE; HYPER-IgE SYNDROME 2, AUTOSOMAL RECESSIVE, WITH RECURRENT INFECTIONS; HIES autosomal recessive; DOCK8 Deficiency; Hyper-IgE recurrent infection syndrome, autosomal recessive. Identifiers: Orphanet 217390, MedGen C4722305, MONDO:0009478, OMIM 243700.

Submission:

Labcorp Genetics (formerly Invitae), Labcorp
Classification: Uncertain significance for Combined immunodeficiency due to DOCK8 deficiency. Last evaluated: 2022-03-19. Review status: criteria provided, single submitter. Criteria: Invitae Variant Classification Sherloc (09022015). Collection method: clinical testing. Allele origin: germline.
Comment: This variant results in a copy number gain of the genomic region encompassing exon(s) 1-5 of the DOCK8 gene. This region includes the initiator codon of the gene. This copy number gain extends beyond the assayed region for this gene and therefore may encompass additional genes. As the precise location of this event is unknown, it may be in tandem or it may be located elsewhere in the genome. This variant has not been reported in the literature in individuals affected with DOCK8-related conditions. In summary, the available evidence is currently insufficient to determine the role of this variant in disease. Therefore, it has been classified as a Variant of Uncertain Significance.